The following is an entry in ClinVar:

ClinVar aggregate classification (germline): Uncertain significance. Review status: criteria provided, multiple submitters, no conflicts (2 of 4 stars). 2 submissions from 2 submitters: Uncertain significance (2). Last evaluated 2025-12-15.

Allele frequency attached by ClinVar (database versions not stated): ExAC 0.00002; gnomAD exomes 0.00003 and 0.00004; gnomAD 0.00004 and 0.00005; TOPMed 0.00004.
gnomAD v4.1: 59 of 1,613,314 alleles (0.0037%); highest among the groups gnomAD compares: Admixed American, 0.005%; no homozygotes.

Submissions (2):

Labcorp Genetics (formerly Invitae), Labcorp
Classification: Uncertain significance. Last evaluated: 2025-12-15. Review status: criteria provided, single submitter. Criteria: Invitae Variant Classification Sherloc (09022015). Collection method: clinical testing. Allele origin: germline.
Comment: This sequence change replaces glutamic acid, which is acidic and polar, with lysine, which is basic and polar, at codon 429 of the MICU1 protein (p.Glu429Lys). This variant is present in population databases (rs776805865, gnomAD 0.006%). This variant has not been reported in the literature in individuals affected with MICU1-related conditions. ClinVar contains an entry for this variant (Variation ID: 1216544). Invitae Evidence Modeling of protein sequence and biophysical properties (such as structural, functional, and spatial information, amino acid conservation, physicochemical variation, residue mobility, and thermodynamic stability) indicates that this missense variant is not expected to disrupt MICU1 protein function with a negative predictive value of 80%. In summary, the available evidence is currently insufficient to determine the role of this variant in disease. Therefore, it has been classified as a Variant of Uncertain Significance.

GeneDx
Classification: Uncertain significance. Last evaluated: 2025-12-09. Review status: criteria provided, single submitter. Criteria: GeneDx Variant Classification Process June 2021. Collection method: clinical testing. Allele origin: germline. Affected: yes.
Comment: Not observed at significant frequency in large population cohorts (gnomAD); In silico analysis suggests that this missense variant does not alter protein structure/function; Has not been previously published as pathogenic or benign to our knowledge

NM_001195518.2(MICU1):c.1279G>A (p.Glu427Lys)

Gene: MICU1 (mitochondrial calcium uptake 1; minus strand). Cytogenetic location: 10q22.1.
Variant type: single nucleotide variant.
Coding change: c.1279G>A on transcript NM_001195518.2 (MANE Select); coding-DNA position 1279, G replaced by A.
Protein change: p.Glu427Lys; replaces glutamic acid 427 with lysine.
Molecular consequence: missense variant.
Genome position (GRCh38, 1-based): chr10:72,368,347, C>T on the plus strand (G>A on the coding strand, the complement: MICU1 is on the minus strand). VCF-style: chr10-72368347-C-T. GRCh37 (hg19) VCF-style: chr10-74128105-C-T.
Other names: c.685G>A, p.Glu229Lys (NM_001195519.2); c.1297G>A, p.Glu433Lys (NM_001363513.2); c.1285G>A, p.Glu429Lys (NM_006077.4); short protein forms E229K, E427K, E429K, E433K.
Identifiers: ClinVar variation 1216544 (VCV001216544.9), dbSNP rs776805865, ClinGen allele CA5550000.
Genomic context (GRCh38, chr10:72,368,347, plus strand): 5'-TTTCCAGGCCTCTCATCAGCCGTTGCTTCATGATGGAAACAAATTCCTTATTGCTCAGTT[C>T]GCCATTGCCTAGAGGAAGAGGCAAAAACAACAGGGATAAGTGTTGGCCTTGGAACAACAC-3'
Protein context (NP_001182447.1, residues 417-437): FALFDCDGNG[Glu427Lys]LSNKEFVSIM